The following is an entry in ClinVar:

ClinVar aggregate classification (germline): Uncertain significance. Review status: criteria provided, multiple submitters, no conflicts (2 of 4 stars). 2 submissions from 2 submitters: Uncertain significance (2). Last evaluated 2022-07-14.

Allele frequency attached by ClinVar (database versions not stated): gnomAD exomes below 0.00001.
gnomAD v4.1: 6 of 1,613,996 alleles (0.00037%); highest among the groups gnomAD compares: African/African-American, 0.004%; no homozygotes.

Submissions (2):

Labcorp Genetics (formerly Invitae), Labcorp
Classification: Uncertain significance. Last evaluated: 2022-07-14. Review status: criteria provided, single submitter. Criteria: Invitae Variant Classification Sherloc (09022015). Collection method: clinical testing. Allele origin: germline.
Comment: This sequence change replaces arginine, which is basic and polar, with glycine, which is neutral and non-polar, at codon 90 of the IFNAR2 protein (p.Arg90Gly). This variant is present in population databases (no rsID available, gnomAD 0.0009%). This variant has not been reported in the literature in individuals affected with IFNAR2-related conditions. Algorithms developed to predict the effect of missense changes on protein structure and function are either unavailable or do not agree on the potential impact of this missense change (SIFT: "Tolerated"; PolyPhen-2: "Possibly Damaging"; Align-GVGD: "Class C0"). In summary, the available evidence is currently insufficient to determine the role of this variant in disease. Therefore, it has been classified as a Variant of Uncertain Significance.

Ambry Genetics
Classification: Uncertain significance. Last evaluated: 2021-08-03. Review status: criteria provided, single submitter. Criteria: Ambry Variant Classification Scheme 2023. Collection method: clinical testing. Allele origin: germline.

NM_001289125.3(IFNAR2):c.268A>G (p.Arg90Gly)

Genes: IFNAR2 (interferon alpha and beta receptor subunit 2; plus strand), IFNAR2-IL10RB (IFNAR2-IL10RB readthrough; plus strand). Cytogenetic location: 21q22.11.
Variant type: single nucleotide variant.
Coding change: c.268A>G on transcript NM_001289125.3 (MANE Select); coding-DNA position 268, A replaced by G.
Protein change: p.Arg90Gly; replaces arginine 90 with glycine.
Molecular consequence: missense variant.
Genome position (GRCh38, 1-based): chr21:33,246,764, A>G. VCF-style: chr21-33246764-A-G. GRCh37 (hg19) VCF-style: chr21-34619069-A-G.
Other names: c.268A>G, p.Arg90Gly (NM_001414505.1, NM_000874.5, NM_001289126.2 and 5 more transcripts); short protein forms R90G.
Identifiers: ClinVar variation 1897898 (VCV001897898.6), dbSNP rs1202241897, ClinGen allele CA410096842.